The following is an entry in ClinVar:

ClinVar aggregate classification (germline): Pathogenic (1 of 4 stars; one submission).

Conditions:
Townes-Brocks syndrome 1 (TBS1). Also called: DEAFNESS, SENSORINEURAL, WITH IMPERFORATE ANUS AND THUMB ANOMALIES; REAR SYNDROME; RENAL-EAR-ANAL-RADIAL SYNDROME; SALL1-Related Townes-Brocks Syndrome. Identifiers: Orphanet 857, MedGen C4551481, MONDO:0054581, OMIM 107480.

Submission:

MVZ Medizinische Genetik Mainz
Classification: Pathogenic for Townes-Brocks syndrome 1. Last evaluated: 2026-05-21. Review status: criteria provided, single submitter. Criteria: UK Practice Guidelines For Variant Classification V4 01 2020. Collection method: clinical testing. Allele origin: germline. Inheritance: Autosomal dominant inheritance. Affected: yes. Observed: 1 variant allele.
Comment: ACMG Criteria: PVS1,PM2_SUP,PP4

NM_002968.3(SALL1):c.768del (p.Leu257fs)

Gene: SALL1 (spalt like transcription factor 1; minus strand). Cytogenetic location: 16q12.1.
Variant type: Deletion.
Coding change: c.768del on transcript NM_002968.3 (MANE Select); coding-DNA position 768, one base deleted (G; older notation c.768delG).
Protein change: p.Leu257fs; shifts the reading frame from leucine 257.
Molecular consequence: frameshift variant.
Genome position (GRCh38, 1-based): chr16:51,141,454, C deleted on the plus strand (G on the coding strand, the reverse complement: SALL1 is on the minus strand). VCF-style (leftmost placement, unchanged base first): chr16-51141453-AC-A. GRCh37 (hg19) VCF-style: chr16-51175364-AC-A.
Other names: c.477del, p.Leu160fs (NM_001127892.2); short protein forms L160fs, L257fs.
Identifiers: ClinVar variation 4857279 (VCV004857279.1).